The following is an entry in ClinVar:

ClinVar aggregate classification (germline): Likely pathogenic (1 of 4 stars; one submission).

Conditions:
Cognitive impairment with or without cerebellar ataxia (CIAT). Identifiers: MedGen C3280415, MONDO:0013680, OMIM 614306.

Submission:

Baylor Genetics
Classification: Likely pathogenic for Cognitive impairment with or without cerebellar ataxia. Last evaluated: 2018-06-06. Review status: criteria provided, single submitter. Criteria: ACMG Guidelines, 2015. Collection method: clinical testing. Allele origin: unknown. Affected: yes.
Comment: This variant was determined to be likely pathogenic according to ACMG Guidelines, 2015 [PMID:25741868].

NM_001330260.2(SCN8A):c.676C>G (p.Arg226Gly)

Gene: SCN8A (sodium voltage-gated channel alpha subunit 8; plus strand). Cytogenetic location: 12q13.13.
Variant type: single nucleotide variant.
Coding change: c.676C>G on transcript NM_001330260.2 (MANE Select); coding-DNA position 676, C replaced by G.
Protein change: p.Arg226Gly; replaces arginine 226 with glycine.
Molecular consequence: missense variant. On other transcripts: intron variant (2).
Genome position (GRCh38, 1-based): chr12:51,689,066, C>G. VCF-style: chr12-51689066-C-G. GRCh37 (hg19) VCF-style: chr12-52082850-C-G.
Other names: c.676C>G, p.Arg226Gly (NM_001369788.1); c.706+217C>G (NM_014191.4, NM_001177984.3); short protein forms R226G.
Identifiers: ClinVar variation 1031970 (VCV001031970.1), dbSNP rs1323578421, ClinGen allele CA385224768.